The following is an entry in ClinVar:

NM_001363711.2(DUOX2):c.3667C>A (p.His1223Asn)

Gene: DUOX2 (dual oxidase 2; minus strand). Cytogenetic location: 15q21.1.
Variant type: single nucleotide variant.
Coding change: c.3667C>A on transcript NM_001363711.2 (MANE Select); coding-DNA position 3667, C replaced by A.
Protein change: p.His1223Asn; replaces histidine 1223 with asparagine.
Molecular consequence: missense variant.
Genome position (GRCh38, 1-based): chr15:45,097,640, G>T on the plus strand (C>A on the coding strand, the complement: DUOX2 is on the minus strand). VCF-style: chr15-45097640-G-T. GRCh37 (hg19) VCF-style: chr15-45389838-G-T.
Other names: c.3667C>A, p.His1223Asn (NM_014080.5); short protein forms H1223N.
Identifiers: ClinVar variation 1363244 (VCV001363244.4), dbSNP rs374103492, ClinGen allele CA7537777.

ClinVar aggregate classification (germline): Uncertain significance (1 of 4 stars; one submission).

gnomAD v4.1: 14 of 1,613,904 alleles (0.00087%); highest among the groups gnomAD compares: South Asian, 0.0099%; no homozygotes.

Submission:

Labcorp Genetics (formerly Invitae), Labcorp
Classification: Uncertain significance. Last evaluated: 2026-02-01. Review status: criteria provided, single submitter. Criteria: Invitae Variant Classification Sherloc (09022015). Collection method: clinical testing. Allele origin: germline.
Comment: This sequence change replaces histidine, which is basic and polar, with asparagine, which is neutral and polar, at codon 1223 of the DUOX2 protein (p.His1223Asn). This variant is present in population databases (rs374103492, gnomAD 0.02%). This variant has not been reported in the literature in individuals affected with DUOX2-related conditions. ClinVar contains an entry for this variant (Variation ID: 1363244). Invitae Evidence Modeling of protein sequence and biophysical properties (such as structural, functional, and spatial information, amino acid conservation, physicochemical variation, residue mobility, and thermodynamic stability) indicates that this missense variant is not expected to disrupt DUOX2 protein function with a negative predictive value of 80%. In summary, the available evidence is currently insufficient to determine the role of this variant in disease. Therefore, it has been classified as a Variant of Uncertain Significance.